The following is an entry in ClinVar:

ClinVar aggregate classification (germline): Benign/Likely benign. Review status: criteria provided, multiple submitters, no conflicts (2 of 4 stars). 4 submissions from 4 submitters: Benign (1); Likely benign (2). 1 of the submissions does not count toward it. Last evaluated 2024-11-19.

Conditions:
RNF213-related disorder. Also called: RNF213-related condition.

Allele frequency attached by ClinVar (database versions not stated): 1000 Genomes Project 30x 0.00094; TOPMed 0.00117; 1000 Genomes Project 0.00120; gnomAD 0.00124 and 0.00132; gnomAD exomes 0.00163 and 0.00206; ExAC 0.00189; ESP Exome Variant Server 0.00215.
gnomAD v4.1: 3,154 of 1,614,076 alleles (0.2%); highest among the groups gnomAD compares: Non-Finnish European, 0.23%; 4 homozygotes.

Submissions (4):

Blueprint Genetics
Classification: Likely benign. Last evaluated: 2024-11-19. Review status: criteria provided, single submitter. Criteria: ACMG Guidelines, 2015. Collection method: clinical testing. Allele origin: germline.

Labcorp Genetics (formerly Invitae), Labcorp
Classification: Benign. Last evaluated: 2024-10-23. Review status: criteria provided, single submitter. Criteria: Invitae Variant Classification Sherloc (09022015). Collection method: clinical testing. Allele origin: germline.

CeGaT Center for Human Genetics Tuebingen
Classification: Likely benign. Last evaluated: 2024-09-01. Review status: criteria provided, single submitter. Criteria: CeGaT Center For Human Genetics Tuebingen Variant Classification Criteria Version 2. Collection method: clinical testing. Allele origin: germline. Affected: yes. Observed: 2 variant alleles.
Comment: RNF213: BP4, BP7

PreventionGenetics, part of Exact Sciences
Classification: Likely benign for RNF213-related condition. Last evaluated: 2019-06-19. Review status: no assertion criteria provided. Collection method: clinical testing. Allele origin: germline. Not counted in ClinVar's aggregate classification.
Comment: This variant is classified as likely benign based on ACMG/AMP sequence variant interpretation guidelines (Richards et al. 2015 PMID: 25741868, with internal and published modifications).

NM_001256071.3(RNF213):c.8790G>A (p.Gly2930=)

Gene: RNF213 (ring finger protein 213; plus strand). Cytogenetic location: 17q25.3.
Variant type: single nucleotide variant.
Coding change: c.8790G>A on transcript NM_001256071.3 (MANE Select); coding-DNA position 8790, G replaced by A.
Protein change: p.Gly2930=; no amino-acid change (glycine 2930 retained).
Molecular consequence: synonymous variant.
Genome position (GRCh38, 1-based): chr17:80,347,125, G>A. VCF-style: chr17-80347125-G-A. GRCh37 (hg19) VCF-style: chr17-78320925-G-A.
Identifiers: ClinVar variation 731553 (VCV000731553.45), dbSNP rs143472355, ClinGen allele CA8821004.